The following is an entry in ClinVar:

NM_017780.4(CHD7):c.6842A>T (p.Asp2281Val)

Gene: CHD7 (chromodomain helicase DNA binding protein 7; plus strand). Cytogenetic location: 8q12.2.
Variant type: single nucleotide variant.
Coding change: c.6842A>T on transcript NM_017780.4 (MANE Select); coding-DNA position 6842, A replaced by T.
Protein change: p.Asp2281Val; replaces aspartic acid 2281 with valine.
Molecular consequence: missense variant. On other transcripts: intron variant (1).
Genome position (GRCh38, 1-based): chr8:60,854,429, A>T. VCF-style: chr8-60854429-A-T. GRCh37 (hg19) VCF-style: chr8-61766988-A-T.
Other names: c.1717-7800A>T (NM_001316690.1); short protein forms D2281V.
Identifiers: ClinVar variation 3492062 (VCV003492062.3).
Genomic context (GRCh38, chr8:60,854,429, plus strand): 5'-CTGTCTCTAGAGGGAAGAATTTTGATGAAGAAAGCAATGCTTCCATGAGCACTGCTAGAG[A>T]TGAAACCCGAGATGGATTCTACATGGAGGACGGAGATCCTTCAGTAGCTCAGCTCCTTCA-3'
Protein context (NP_060250.2, residues 2271-2291): ESNASMSTAR[Asp2281Val]ETRDGFYMED

ClinVar aggregate classification (germline): Uncertain significance. Review status: criteria provided, multiple submitters, no conflicts (2 of 4 stars). 2 submissions from 2 submitters: Uncertain significance (2). Last evaluated 2024-08-01.

Conditions:
Inborn genetic diseases. Identifiers: MedGen C0950123, MeSH D030342.
CHARGE syndrome (CHARGE). Also called: Hittner Hirsch Kreh syndrome; CHARGE ASSOCIATION--COLOBOMA, HEART ANOMALY, CHOANAL ATRESIA, RETARDATION, GENITAL AND EAR ANOMALIES; Coloboma, heart anomaly, choanal atresia, retardation, genital and ear anomalies; CHARGE association; Hall-Hittner syndrome. Identifiers: Orphanet 138, MedGen C0265354, MONDO:0008965.

Submissions (2):

Ambry Genetics
Classification: Uncertain significance for Inborn genetic diseases. Last evaluated: 2024-08-01. Review status: criteria provided, single submitter. Criteria: Ambry Variant Classification Scheme 2023. Collection method: clinical testing. Allele origin: germline.

Labcorp Genetics (formerly Invitae), Labcorp
Classification: Uncertain significance for CHARGE syndrome. Last evaluated: 2024-02-13. Review status: criteria provided, single submitter. Criteria: Invitae Variant Classification Sherloc (09022015). Collection method: clinical testing. Allele origin: germline.
Comment: This sequence change replaces aspartic acid, which is acidic and polar, with valine, which is neutral and non-polar, at codon 2281 of the CHD7 protein (p.Asp2281Val). This variant is not present in population databases (gnomAD no frequency). This variant has not been reported in the literature in individuals affected with CHD7-related conditions. Advanced modeling of protein sequence and biophysical properties (such as structural, functional, and spatial information, amino acid conservation, physicochemical variation, residue mobility, and thermodynamic stability) has been performed at Invitae for this missense variant, however the output from this modeling did not meet the statistical confidence thresholds required to predict the impact of this variant on CHD7 protein function. In summary, the available evidence is currently insufficient to determine the role of this variant in disease. Therefore, it has been classified as a Variant of Uncertain Significance.